The following is an entry in ClinVar:

ClinVar aggregate classification (germline): Uncertain significance. Review status: criteria provided, multiple submitters, no conflicts (2 of 4 stars). 2 submissions from 2 submitters: Uncertain significance (2). Last evaluated 2025-08-01.

Conditions:
Inborn genetic diseases. Identifiers: MedGen C0950123, MeSH D030342.
Immunodeficiency 14 (IMD14A). Also called: ACTIVATED PI3K-DELTA SYNDROME 1; Activated PI3K Delta Syndrome Type 1 (APDS1); p110-DELTA-ACTIVATING MUTATION CAUSING SENESCENT T CELLS, LYMPHADENOPATHY, AND IMMUNODEFICIENCY; IMMUNODEFICIENCY 14A WITH LYMPHOPROLIFERATION, AUTOSOMAL DOMINANT. Identifiers: Orphanet 397596, Orphanet 693661, MedGen C5907821, MONDO:0014222, OMIM 615513.

Allele frequency attached by ClinVar (database versions not stated): gnomAD exomes below 0.00001; gnomAD 0.00001; TOPMed 0.00001.

Submissions (2):

Ambry Genetics
Classification: Uncertain significance for Inborn genetic diseases. Last evaluated: 2025-08-01. Review status: criteria provided, single submitter. Criteria: Ambry Variant Classification Scheme 2023. Collection method: clinical testing. Allele origin: germline.

Labcorp Genetics (formerly Invitae), Labcorp
Classification: Uncertain significance for Activated PI3K-delta syndrome. Last evaluated: 2022-08-27. Review status: criteria provided, single submitter. Criteria: Invitae Variant Classification Sherloc (09022015). Collection method: clinical testing. Allele origin: germline.
Comment: This variant is not present in population databases (gnomAD no frequency). This sequence change replaces arginine, which is basic and polar, with cysteine, which is neutral and slightly polar, at codon 88 of the PIK3CD protein (p.Arg88Cys). This variant has not been reported in the literature in individuals affected with PIK3CD-related conditions. ClinVar contains an entry for this variant (Variation ID: 1496218). Algorithms developed to predict the effect of missense changes on protein structure and function (SIFT, PolyPhen-2, Align-GVGD) all suggest that this variant is likely to be disruptive. Algorithms developed to predict the effect of sequence changes on RNA splicing suggest that this variant may create or strengthen a splice site. In summary, the available evidence is currently insufficient to determine the role of this variant in disease. Therefore, it has been classified as a Variant of Uncertain Significance.

NM_005026.5(PIK3CD):c.262C>T (p.Arg88Cys)

Gene: PIK3CD (phosphatidylinositol-4,5-bisphosphate 3-kinase catalytic subunit delta; plus strand). Cytogenetic location: 1p36.22.
Variant type: single nucleotide variant.
Coding change: c.262C>T on transcript NM_005026.5 (MANE Select); coding-DNA position 262, C replaced by T.
Protein change: p.Arg88Cys; replaces arginine 88 with cysteine.
Molecular consequence: missense variant.
Genome position (GRCh38, 1-based): chr1:9,715,661, C>T. VCF-style: chr1-9715661-C-T. GRCh37 (hg19) VCF-style: chr1-9775719-C-T.
Other names: c.262C>T (NM_005026.3); c.262C>T, p.Arg88Cys (NM_001350234.2, NM_001350235.1); short protein forms R88C.
Identifiers: ClinVar variation 1496218 (VCV001496218.7), dbSNP rs1557659540, ClinGen allele CA338300219.